The following is an entry in ClinVar:

ClinVar aggregate classification (germline): Likely benign. Review status: criteria provided, multiple submitters, no conflicts (2 of 4 stars). 2 submissions from 2 submitters: Likely benign (2). Last evaluated 2025-09-04.

Conditions:
PYGM-related disorder. Also called: PYGM-related condition.
Glycogen storage disease, type V (GSD5). Also called: MCARDLE DISEASE; MUSCLE GLYCOGEN PHOSPHORYLASE DEFICIENCY; MYOPHOSPHORYLASE DEFICIENCY; McArdle type glycogen storage disease; PYGM DEFICIENCY. Identifiers: Orphanet 368, MedGen C0017924, MONDO:0009293, OMIM 232600.

Allele frequency attached by ClinVar (database versions not stated): TOPMed 0.00004; 1000 Genomes Project 30x 0.00016.

Submissions (2):

Labcorp Genetics (formerly Invitae), Labcorp
Classification: Likely benign for Glycogen storage disease, type V. Last evaluated: 2025-09-04. Review status: criteria provided, single submitter. Criteria: Invitae Variant Classification Sherloc (09022015). Collection method: clinical testing. Allele origin: germline.

PreventionGenetics, part of Exact Sciences
Classification: Likely benign for PYGM-related condition. Last evaluated: 2025-04-14. Review status: criteria provided, single submitter. Criteria: ACMG Guidelines, 2015. Collection method: clinical testing. Allele origin: germline.
Comment: This variant is classified as likely benign based on ACMG/AMP sequence variant interpretation guidelines (Richards et al. 2015 PMID: 25741868, with internal and published modifications).

NM_005609.4(PYGM):c.661-5C>T

Gene: PYGM (glycogen phosphorylase, muscle associated; minus strand). Cytogenetic location: 11q13.1.
Variant type: single nucleotide variant.
Coding change: c.661-5C>T on transcript NM_005609.4 (MANE Select); 5 bases into the intron before coding-DNA position 661, C replaced by T.
Molecular consequence: intron variant.
Genome position (GRCh38, 1-based): chr11:64,755,563, G>A on the plus strand (C>T on the coding strand, the complement: PYGM is on the minus strand). VCF-style: chr11-64755563-G-A. GRCh37 (hg19) VCF-style: chr11-64523035-G-A.
Other names: c.397-5C>T (NM_001164716.1).
Identifiers: ClinVar variation 742315 (VCV000742315.12), dbSNP rs75633423, ClinGen allele CA6080165.